The following is an entry in ClinVar:

NM_015202.5(KATNIP):c.932T>C (p.Met311Thr)

Gene: KATNIP (katanin interacting protein; plus strand). Cytogenetic location: 16p12.1.
Variant type: single nucleotide variant.
Coding change: c.932T>C on transcript NM_015202.5 (MANE Select); coding-DNA position 932, T replaced by C.
Protein change: p.Met311Thr; replaces methionine 311 with threonine.
Molecular consequence: missense variant.
Genome position (GRCh38, 1-based): chr16:27,681,522, T>C. VCF-style: chr16-27681522-T-C. GRCh37 (hg19) VCF-style: chr16-27692843-T-C.
Other names: c.932T>C (NM_015202.2); short protein forms M311T.
Identifiers: ClinVar variation 2174389 (VCV002174389.4), dbSNP rs545447480, ClinGen allele CA7977498.

ClinVar aggregate classification (germline): Uncertain significance. Review status: criteria provided, multiple submitters, no conflicts (2 of 4 stars). 2 submissions from 2 submitters: Uncertain significance (2). Last evaluated 2022-12-20.

Allele frequency attached by ClinVar (database versions not stated): gnomAD 0.00005; 1000 Genomes Project 30x 0.00016; 1000 Genomes Project 0.00020.
gnomAD v4.1: 201 of 1,614,182 alleles (0.012%); highest among the groups gnomAD compares: East Asian, 0.44%; 1 homozygote.

Submissions (2):

Labcorp Genetics (formerly Invitae), Labcorp
Classification: Uncertain significance. Last evaluated: 2022-12-20. Review status: criteria provided, single submitter. Criteria: Invitae Variant Classification Sherloc (09022015). Collection method: clinical testing. Allele origin: germline.
Comment: This sequence change replaces methionine, which is neutral and non-polar, with threonine, which is neutral and polar, at codon 311 of the KIAA0556 protein (p.Met311Thr). This variant is present in population databases (rs545447480, gnomAD 0.04%). This variant has not been reported in the literature in individuals affected with KIAA0556-related conditions. Algorithms developed to predict the effect of missense changes on protein structure and function output the following: SIFT: "Tolerated"; PolyPhen-2: "Benign"; Align-GVGD: "Class C0". The threonine amino acid residue is found in multiple mammalian species, which suggests that this missense change does not adversely affect protein function. In summary, the available evidence is currently insufficient to determine the role of this variant in disease. Therefore, it has been classified as a Variant of Uncertain Significance.

Ambry Genetics
Classification: Uncertain significance. Last evaluated: 2021-08-23. Review status: criteria provided, single submitter. Criteria: Ambry Variant Classification Scheme 2023. Collection method: clinical testing. Allele origin: germline.